The following is an entry in ClinVar:

NM_020975.6(RET):c.1759+16T>C

Gene: RET (ret proto-oncogene; plus strand). Cytogenetic location: 10q11.21.
Variant type: single nucleotide variant.
Coding change: c.1759+16T>C on transcript NM_020975.6 (MANE Select); 16 bases into the intron after coding-DNA position 1759, T replaced by C.
Molecular consequence: intron variant.
Genome position (GRCh38, 1-based): chr10:43,112,979, T>C. VCF-style: chr10-43112979-T-C. GRCh37 (hg19) VCF-style: chr10-43608427-T-C.
Other names: c.1759+16T>C (NM_020630.7, NM_001406743.1, NM_001406744.1 and 4 more transcripts); c.1363+16T>C (NM_001406772.1, NM_001406769.1); c.1321+16T>C (NM_001406773.1, NM_001406771.1); c.862+16T>C (NM_001406782.1, NM_001406780.1, NM_001406779.1 and 3 more transcripts); c.1630+16T>C (NM_001406764.1, NM_001406762.1, NM_001406761.1 and 1 more transcripts); c.1234+16T>C (NM_001406774.1); c.733+16T>C (NM_001406786.1, NM_001406783.1); c.1471+16T>C (NM_001406770.1, NM_001406766.1, NM_001406767.1); and 5 more.
Identifiers: ClinVar variation 2849531 (VCV002849531.3), dbSNP rs2132818249, ClinGen allele CA2739265350.

ClinVar aggregate classification (germline): Uncertain significance (1 of 4 stars; one submission).

Conditions:
Multiple endocrine neoplasia, type 2 (MEN2). Identifiers: Orphanet 653, MedGen C4048306, MONDO:0019003. Disease mechanism: gain of function.

Submission:

Labcorp Genetics (formerly Invitae), Labcorp
Classification: Uncertain significance for Multiple endocrine neoplasia, type 2. Last evaluated: 2023-03-26. Review status: criteria provided, single submitter. Criteria: Invitae Variant Classification Sherloc (09022015). Collection method: clinical testing. Allele origin: germline.
Comment: In summary, the available evidence is currently insufficient to determine the role of this variant in disease. Therefore, it has been classified as a Variant of Uncertain Significance. Algorithms developed to predict the effect of sequence changes on RNA splicing suggest that this variant may create or strengthen a splice site. This variant has not been reported in the literature in individuals affected with RET-related conditions. This variant is not present in population databases (gnomAD no frequency). This sequence change falls in intron 9 of the RET gene. It does not directly change the encoded amino acid sequence of the RET protein.